The following is an entry in ClinVar:

NM_001365480.1(CCDC88A):c.4811T>A (p.Leu1604Gln)

Gene: CCDC88A (coiled-coil domain containing 88A; minus strand). Cytogenetic location: 2p16.1.
Variant type: single nucleotide variant.
Coding change: c.4811T>A on transcript NM_001365480.1 (MANE Select); coding-DNA position 4811, T replaced by A.
Protein change: p.Leu1604Gln; replaces leucine 1604 with glutamine.
Molecular consequence: missense variant.
Genome position (GRCh38, 1-based): chr2:55,299,853, A>T on the plus strand (T>A on the coding strand, the complement: CCDC88A is on the minus strand). VCF-style: chr2-55299853-A-T. GRCh37 (hg19) VCF-style: chr2-55526989-A-T.
Other names: c.4808T>A, p.Leu1603Gln (NM_001135597.2, NM_001254943.2); c.4727T>A, p.Leu1576Gln (NM_018084.5); short protein forms L1576Q, L1604Q, L1603Q.
Identifiers: ClinVar variation 1360697 (VCV001360697.3), dbSNP rs201257221, ClinGen allele CA1665474.

ClinVar aggregate classification (germline): Uncertain significance (1 of 4 stars; one submission).

Allele frequency attached by ClinVar (database versions not stated): gnomAD exomes 0.00001 and 0.00002; ExAC 0.00002; TOPMed 0.00004; gnomAD 0.00007.
gnomAD v4.1: 30 of 1,609,780 alleles (0.0019%); highest among the groups gnomAD compares: African/African-American, 0.0053%; no homozygotes.

Submission:

Labcorp Genetics (formerly Invitae), Labcorp
Classification: Uncertain significance. Last evaluated: 2022-09-19. Review status: criteria provided, single submitter. Criteria: Invitae Variant Classification Sherloc (09022015). Collection method: clinical testing. Allele origin: germline.
Comment: This sequence change replaces leucine, which is neutral and non-polar, with glutamine, which is neutral and polar, at codon 1603 of the CCDC88A protein (p.Leu1603Gln). This variant is present in population databases (rs201257221, gnomAD 0.005%). This variant has not been reported in the literature in individuals affected with CCDC88A-related conditions. ClinVar contains an entry for this variant (Variation ID: 1360697). Algorithms developed to predict the effect of missense changes on protein structure and function are either unavailable or do not agree on the potential impact of this missense change (SIFT: "Deleterious"; PolyPhen-2: "Probably Damaging"; Align-GVGD: "Class C0"). In summary, the available evidence is currently insufficient to determine the role of this variant in disease. Therefore, it has been classified as a Variant of Uncertain Significance.